The following is an entry in ClinVar:

ClinVar aggregate classification (germline): Uncertain significance (1 of 4 stars; one submission).

Conditions:
Intellectual developmental disorder with hypotonia and behavioral abnormalities. Identifiers: MedGen C5231489, MONDO:0032897, OMIM 618748.

Submission:

Victorian Clinical Genetics Services, Murdoch Childrens Research Institute
Classification: Uncertain significance for Intellectual developmental disorder with hypotonia and behavioral abnormalities. Last evaluated: 2020-06-11. Review status: criteria provided, single submitter. Criteria: ACMG Guidelines, 2015. Collection method: clinical testing. Allele origin: germline. Inheritance: Autosomal dominant inheritance. Affected: yes.
Comment: Based on the classification scheme VCGS_Germline_v1.1.1, this variant is classified as VUS – 3B. Following criteria are met: 0105 - The mechanism of disease for this gene is not clearly established. (N) 0107 - This gene is known to be associated with autosomal dominant disease. (N) 0200 - Variant is predicted to result in a missense amino acid change from serine to asparagine. This variant is in exon 1 of the CDK8 gene. (N) 0251 - Variant is heterozygous. (N) 0301 - Variant is absent from gnomAD. (P) 0309 - An alternative amino acid change at the same position has been observed in gnomAD (1 heterozygote, 0 homozygotes). (N) 0503 - Missense variant consistently predicted to be tolerated or not conserved in mammals with a minor amino acid change. (B) 0603 - Missense variant in a region that is highly intolerant to missense variation (high constraint region) (phosphosite within the STKc_CDK8 domain). (P) 0705 - No comparable variants have previous evidence for pathogenicity. (N) 0807 - Variant has not previously been reported in a clinical context. (N) 0905 - No segregation evidence has been identified for this variant in the literature. (N) 1007 - No published functional evidence has been identified for this variant. (N) 1208 - Inheritance information for this variant is not currently available. (N) Legend: (P) - Pathogenic, (N) - Neutral, (B) - Benign

NM_001260.3(CDK8):c.32G>A (p.Ser11Asn)

Genes: CDK8 (cyclin dependent kinase 8; plus strand), LOC130009416 (ATAC-STARR-seq lymphoblastoid silent region 5186; plus strand). Cytogenetic location: 13q12.13.
Variant type: single nucleotide variant.
Coding change: c.32G>A on transcript NM_001260.3 (MANE Select); coding-DNA position 32, G replaced by A.
Protein change: p.Ser11Asn; replaces serine 11 with asparagine.
Molecular consequence: missense variant. On other transcripts: 5 prime UTR variant (1).
Genome position (GRCh38, 1-based): chr13:26,254,673, G>A. VCF-style: chr13-26254673-G-A. GRCh37 (hg19) VCF-style: chr13-26828810-G-A.
Other names: c.32G>A, p.Ser11Asn (NM_001318368.2); c.-430G>A (NM_001346501.2); short protein forms S11N.
Identifiers: ClinVar variation 1805725 (VCV001805725.1), dbSNP rs1483755031, ClinGen allele CA387629743.